The following is an entry in ClinVar:

ClinVar aggregate classification (germline): Uncertain significance (1 of 4 stars; one submission).

gnomAD v4.1: 1 of 1,614,090 alleles (0.000062%); highest among the groups gnomAD compares: Non-Finnish European, 0.000085%; no homozygotes.

Submission:

GeneDx
Classification: Uncertain significance. Last evaluated: 2026-04-03. Review status: criteria provided, single submitter. Criteria: GeneDx Variant Classification Process June 2021. Collection method: clinical testing. Allele origin: germline.
Comment: Not observed at significant frequency in large population cohorts (gnomAD); In silico analysis suggests that this missense variant does not alter protein structure/function; Reported in a proband with features of MODY in the literature (PMID: 37396188); This variant is associated with the following publications: (PMID: 21224407, 37396188)

NM_000545.8(HNF1A):c.1832T>C (p.Leu611Pro)

Genes: C12orf43 (chromosome 12 open reading frame 43; minus strand), HNF1A (HNF1 homeobox A; plus strand). Cytogenetic location: 12q24.31.
Variant type: single nucleotide variant.
Coding change: c.1832T>C on transcript NM_000545.8 (MANE Select); coding-DNA position 1832, T replaced by C.
Protein change: p.Leu611Pro; replaces leucine 611 with proline.
Molecular consequence: missense variant. On other transcripts: 3 prime UTR variant (3).
Genome position (GRCh38, 1-based): chr12:121,001,128, T>C. VCF-style: chr12-121001128-T-C. GRCh37 (hg19) VCF-style: chr12-121438931-T-C.
Other names: c.*3025A>G (NM_001286191.2, NM_001286196.2, NM_022895.3); c.1853T>C, p.Leu618Pro (NM_001306179.2); c.1640T>C, p.Leu547Pro (NM_001406915.1); short protein forms L547P, L611P, L618P.
Identifiers: ClinVar variation 5016834 (VCV005016834.1).